The following is an entry in ClinVar:

ClinVar aggregate classification (germline): Likely benign. Review status: criteria provided, multiple submitters, no conflicts (2 of 4 stars). 2 submissions from 2 submitters: Likely benign (2). Last evaluated 2025-12-22.

Conditions:
Long QT syndrome (LQTS). Identifiers: MedGen C0023976, MeSH D008133, MONDO:0002442. Disease mechanism: loss of function. Inheritance: Various modes of inheritance.

gnomAD v4.1: 14 of 1,613,684 alleles (0.00087%); highest among the groups gnomAD compares: Middle Eastern, 0.016%; 1 homozygote.

Submissions (2):

Labcorp Genetics (formerly Invitae), Labcorp
Classification: Likely benign for Long QT syndrome. Last evaluated: 2025-12-22. Review status: criteria provided, single submitter. Criteria: Invitae Variant Classification Sherloc (09022015). Collection method: clinical testing. Allele origin: germline.

GeneDx
Classification: Likely benign. Last evaluated: 2011-08-08. Review status: criteria provided, single submitter. Criteria: GeneDx Variant Classification (06012015). Collection method: clinical testing. Allele origin: germline. Affected: yes.
Comment: This variant is considered likely benign or benign based on one or more of the following criteria: it is a conservative change, it occurs at a poorly conserved position in the protein, it is predicted to be benign by multiple in silico algorithms, and/or has population frequency not consistent with disease.

NM_003098.3(SNTA1):c.311-6G>A

Gene: SNTA1 (syntrophin alpha 1; minus strand). Cytogenetic location: 20q11.21.
Variant type: single nucleotide variant.
Coding change: c.311-6G>A on transcript NM_003098.3 (MANE Select); 6 bases into the intron before coding-DNA position 311, G replaced by A.
Molecular consequence: intron variant.
Genome position (GRCh38, 1-based): chr20:33,439,032, C>T on the plus strand (G>A on the coding strand, the complement: SNTA1 is on the minus strand). VCF-style: chr20-33439032-C-T. GRCh37 (hg19) VCF-style: chr20-32026838-C-T.
Identifiers: ClinVar variation 190901 (VCV000190901.20), dbSNP rs139532210, ClinGen allele CA302236.